The following is an entry in ClinVar:

ClinVar aggregate classification (germline): Benign. Review status: criteria provided, multiple submitters, no conflicts (2 of 4 stars). 3 submissions from 3 submitters: Benign (2). 1 of the submissions does not count toward it. Last evaluated 2019-12-31.

Conditions:
HDLBP-related disorder. Also called: HDLBP-related condition.

Allele frequency attached by ClinVar (database versions not stated): gnomAD exomes 0.00111 and 0.00304; ExAC 0.00381; gnomAD 0.01144 and 0.01218; 1000 Genomes Project 0.01178; TOPMed 0.01235; ESP Exome Variant Server 0.01376; 1000 Genomes Project 30x 0.01405.
gnomAD v4.1: 3,426 of 1,605,412 alleles (0.21%); highest among the groups gnomAD compares: African/African-American, 3.9%; 48 homozygotes.

Submissions (3):

Labcorp Genetics (formerly Invitae), Labcorp
Classification: Benign. Last evaluated: 2019-12-31. Review status: criteria provided, single submitter. Criteria: Invitae Variant Classification Sherloc (09022015). Collection method: clinical testing. Allele origin: germline.

Breakthrough Genomics
Classification: Benign. Review status: criteria provided, single submitter. Criteria: ACMG Guidelines, 2015. Collection method: not provided. Allele origin: germline. Inheritance: Unknown mechanism. Affected: yes.

PreventionGenetics, part of Exact Sciences
Classification: Benign for HDLBP-related condition. Last evaluated: 2019-02-28. Review status: no assertion criteria provided. Collection method: clinical testing. Allele origin: germline. Not counted in ClinVar's aggregate classification.
Comment: This variant is classified as benign based on ACMG/AMP sequence variant interpretation guidelines (Richards et al. 2015 PMID: 25741868, with internal and published modifications).

NM_005336.6(HDLBP):c.1389C>T (p.Asp463=)

Gene: HDLBP (high density lipoprotein binding protein; minus strand). Cytogenetic location: 2q37.3.
Variant type: single nucleotide variant.
Coding change: c.1389C>T on transcript NM_005336.6 (MANE Select); coding-DNA position 1389, C replaced by T.
Protein change: p.Asp463=; no amino-acid change (aspartic acid 463 retained).
Molecular consequence: synonymous variant.
Genome position (GRCh38, 1-based): chr2:241,249,964, G>A on the plus strand (C>T on the coding strand, the complement: HDLBP is on the minus strand). VCF-style: chr2-241249964-G-A. GRCh37 (hg19) VCF-style: chr2-242189379-G-A.
Other names: c.1290C>T, p.Asp430= (NM_001243900.3); c.1389C>T, p.Asp463= (NM_001320965.3, NM_001320966.3, NM_001320967.3 and 1 more transcripts); c.1389C>T (NM_001320966.1).
Identifiers: ClinVar variation 778058 (VCV000778058.7), dbSNP rs35168887, ClinGen allele CA2216663.